The following is an entry in ClinVar:

ClinVar aggregate classification (germline): Uncertain significance (1 of 4 stars; one submission).

Conditions:
Ulnar-mammary syndrome (UMS). Also called: PALLISTER ULNAR-MAMMARY SYNDROME; Ulnar-mammary syndrome of Pallister; SCHINZEL SYNDROME. Identifiers: Orphanet 3138, MedGen C1866994, MONDO:0008411, OMIM 181450.

Allele frequency attached by ClinVar (database versions not stated): gnomAD 0.00001; gnomAD exomes 0.00001; TOPMed 0.00001.
gnomAD v4.1: 5 of 1,574,150 alleles (0.00032%); highest among the groups gnomAD compares: Admixed American, 0.0092%; no homozygotes.

Submission:

Labcorp Genetics (formerly Invitae), Labcorp
Classification: Uncertain significance for Ulnar-mammary syndrome. Last evaluated: 2023-08-17. Review status: criteria provided, single submitter. Criteria: Invitae Variant Classification Sherloc (09022015). Collection method: clinical testing. Allele origin: germline.
Comment: An algorithm developed to predict the effect of missense changes on protein structure and function (PolyPhen-2) suggests that this variant is likely to be disruptive. In summary, the available evidence is currently insufficient to determine the role of this variant in disease. Therefore, it has been classified as a Variant of Uncertain Significance. This variant has not been reported in the literature in individuals affected with TBX3-related conditions. The frequency data for this variant in the population databases is considered unreliable, as metrics indicate poor data quality at this position in the gnomAD database. This sequence change replaces glycine, which is neutral and non-polar, with serine, which is neutral and polar, at codon 520 of the TBX3 protein (p.Gly520Ser).

NM_005996.4(TBX3):c.1558G>A (p.Gly520Ser)

Gene: TBX3 (T-box transcription factor 3; minus strand). Cytogenetic location: 12q24.21.
Variant type: single nucleotide variant.
Coding change: c.1558G>A on transcript NM_005996.4 (MANE Select); coding-DNA position 1558, G replaced by A.
Protein change: p.Gly520Ser; replaces glycine 520 with serine.
Molecular consequence: missense variant.
Genome position (GRCh38, 1-based): chr12:114,674,317, C>T on the plus strand (G>A on the coding strand, the complement: TBX3 is on the minus strand). VCF-style: chr12-114674317-C-T. GRCh37 (hg19) VCF-style: chr12-115112122-C-T.
Other names: c.1618G>A, p.Gly540Ser (NM_016569.4); short protein forms G540S, G520S.
Identifiers: ClinVar variation 2919152 (VCV002919152.3), dbSNP rs746391253, ClinGen allele CA6809902.